The following is an entry in ClinVar:

NM_001130144.3(LTBP3):c.1021T>C (p.Cys341Arg)

Gene: LTBP3 (latent transforming growth factor beta binding protein 3; minus strand). Cytogenetic location: 11q13.1.
Variant type: single nucleotide variant.
Coding change: c.1021T>C on transcript NM_001130144.3 (MANE Select); coding-DNA position 1021, T replaced by C.
Protein change: p.Cys341Arg; replaces cysteine 341 with arginine.
Molecular consequence: missense variant.
Genome position (GRCh38, 1-based): chr11:65,553,206, A>G on the plus strand (T>C on the coding strand, the complement: LTBP3 is on the minus strand). VCF-style: chr11-65553206-A-G. GRCh37 (hg19) VCF-style: chr11-65320677-A-G.
Other names: c.670T>C, p.Cys224Arg (NM_001164266.1); c.1021T>C, p.Cys341Arg (NM_021070.4); short protein forms C224R, C341R.
Identifiers: ClinVar variation 2756562 (VCV002756562.3), dbSNP rs2496173072, ClinGen allele CA381274827.

ClinVar aggregate classification (germline): Uncertain significance (1 of 4 stars; one submission).

Conditions:
Brachyolmia-amelogenesis imperfecta syndrome. Also called: PLATYSPONDYLY WITH AMELOGENESIS IMPERFECTA; Tooth agenesis, selective, 6; Dental anomalies and short stature. Identifiers: Orphanet 2899, MedGen C1832594, MONDO:0011018, OMIM 601216. Disease mechanism: loss of function.

Allele frequency attached by ClinVar (database versions not stated): gnomAD exomes below 0.00001.
gnomAD v4.1: 2 of 1,614,156 alleles (0.00012%); highest among the groups gnomAD compares: South Asian, 0.0022%; no homozygotes.

Submission:

Labcorp Genetics (formerly Invitae), Labcorp
Classification: Uncertain significance for Brachyolmia-amelogenesis imperfecta syndrome. Last evaluated: 2023-12-17. Review status: criteria provided, single submitter. Criteria: Invitae Variant Classification Sherloc (09022015). Collection method: clinical testing. Allele origin: germline.
Comment: This sequence change replaces cysteine, which is neutral and slightly polar, with arginine, which is basic and polar, at codon 341 of the LTBP3 protein (p.Cys341Arg). This variant is not present in population databases (gnomAD no frequency). This variant has not been reported in the literature in individuals affected with LTBP3-related conditions. An algorithm developed to predict the effect of missense changes on protein structure and function (PolyPhen-2) suggests that this variant is likely to be tolerated. In summary, the available evidence is currently insufficient to determine the role of this variant in disease. Therefore, it has been classified as a Variant of Uncertain Significance.